The following is an entry in ClinVar:

ClinVar aggregate classification (germline): Uncertain significance (1 of 4 stars; one submission).

Allele frequency attached by ClinVar (database versions not stated): gnomAD 0.00001; gnomAD exomes 0.00001 and 0.00002; ExAC 0.00002.
gnomAD v4.1: 16 of 1,611,728 alleles (0.00099%); highest among the groups gnomAD compares: South Asian, 0.018%; no homozygotes.

Submission:

Labcorp Genetics (formerly Invitae), Labcorp
Classification: Uncertain significance. Last evaluated: 2023-08-25. Review status: criteria provided, single submitter. Criteria: Invitae Variant Classification Sherloc (09022015). Collection method: clinical testing. Allele origin: germline.
Comment: ClinVar contains an entry for this variant (Variation ID: 1479176). This sequence change replaces isoleucine, which is neutral and non-polar, with threonine, which is neutral and polar, at codon 245 of the POLR1A protein (p.Ile245Thr). This variant is present in population databases (rs745337741, gnomAD 0.02%). This variant has not been reported in the literature in individuals affected with POLR1A-related conditions. Advanced modeling of protein sequence and biophysical properties (such as structural, functional, and spatial information, amino acid conservation, physicochemical variation, residue mobility, and thermodynamic stability) performed at Invitae indicates that this missense variant is not expected to disrupt POLR1A protein function. In summary, the available evidence is currently insufficient to determine the role of this variant in disease. Therefore, it has been classified as a Variant of Uncertain Significance.

NM_015425.6(POLR1A):c.734T>C (p.Ile245Thr)

Gene: POLR1A (RNA polymerase I subunit A; minus strand). Cytogenetic location: 2p11.2.
Variant type: single nucleotide variant.
Coding change: c.734T>C on transcript NM_015425.6 (MANE Select); coding-DNA position 734, T replaced by C.
Protein change: p.Ile245Thr; replaces isoleucine 245 with threonine.
Molecular consequence: missense variant.
Genome position (GRCh38, 1-based): chr2:86,083,165, A>G on the plus strand (T>C on the coding strand, the complement: POLR1A is on the minus strand). VCF-style: chr2-86083165-A-G. GRCh37 (hg19) VCF-style: chr2-86310288-A-G.
Other names: short protein forms I245T.
Identifiers: ClinVar variation 1479176 (VCV001479176.8), dbSNP rs745337741, ClinGen allele CA1746543.